The following is an entry in ClinVar:

NC_000017.11:g.(?_43076468)_(43082595_?)dup

Gene: BRCA1 (BRCA1 DNA repair associated; minus strand). Cytogenetic location: 17q21.31.
Variant type: Duplication.
Identifiers: ClinVar variation 833201 (VCV000833201.2).

ClinVar aggregate classification (germline): Likely pathogenic (1 of 4 stars; one submission).

Conditions:
Hereditary breast ovarian cancer syndrome. Also called: Hereditary breast and/or ovarian cancer syndrome; Hereditary breast and ovarian cancer syndrome (HBOC); Breast and ovarian cancer; Hereditary breast and ovarian cancer; BRCA1- and BRCA2-Associated Hereditary Breast and Ovarian Cancer; Hereditary breast and ovarian cancer syndrome. Identifiers: Orphanet 145, MedGen C0677776, MeSH D061325, MONDO:0003582. Disease mechanism: loss of function.

Submission:

Labcorp Genetics (formerly Invitae), Labcorp
Classification: Likely pathogenic for Hereditary breast ovarian cancer syndrome. Last evaluated: 2022-08-24. Review status: criteria provided, single submitter. Criteria: Invitae Variant Classification Sherloc (09022015). Collection method: clinical testing. Allele origin: germline.
Comment: This variant results in a copy number gain of the genomic region encompassing exon(s) 12-13 of the BRCA1 gene. While the exact position of this variant cannot be determined from the data, sub-genic copy number gains are generally in tandem (PMID: 25640679). This variant is predicted to be out-of-frame, and may result in an absent or disrupted protein product. Loss-of-function variants in BRCA1 are known to be pathogenic (PMID: 20104584). This variant has not been reported in the literature in individuals affected with BRCA1-related conditions. In summary, the currently available evidence indicates that the variant is pathogenic, but additional data are needed to prove that conclusively. Therefore, this variant has been classified as Likely Pathogenic.

Literature cited by the submitters: PubMed 25640679; PubMed 20104584.